The following is an entry in ClinVar:

NM_001267550.2(TTN):c.16508T>G (p.Leu5503Ter)

Gene: TTN (titin; minus strand). Cytogenetic location: 2q31.2.
Variant type: single nucleotide variant.
Coding change: c.16508T>G on transcript NM_001267550.2 (MANE Select); coding-DNA position 16508, T replaced by G.
Protein change: p.Leu5503Ter; replaces leucine 5503 with a stop codon.
Molecular consequence: nonsense. On other transcripts: intron variant (3).
Genome position (GRCh38, 1-based): chr2:178,732,553, A>C on the plus strand (T>G on the coding strand, the complement: TTN is on the minus strand). VCF-style: chr2-178732553-A-C. GRCh37 (hg19) VCF-style: chr2-179597280-A-C.
Other names: c.15557T>G, p.Leu5186Ter (NM_001256850.1); c.12776T>G, p.Leu4259Ter (NM_133378.4); c.13282+5529T>G (NM_003319.4); c.13858+5529T>G (NM_133437.4); c.13657+5529T>G (NM_133432.3); short protein forms L4259*, L5186*, L5503*.
Identifiers: ClinVar variation 3759330 (VCV003759330.2).

ClinVar aggregate classification (germline): Likely pathogenic (1 of 4 stars; one submission).

Conditions:
Dilated cardiomyopathy 1G (CMD1G). Identifiers: Orphanet 154, MedGen C1858763, MONDO:0011400, OMIM 604145.
Autosomal recessive limb-girdle muscular dystrophy type 2J (LGMDR10). Also called: Limb-girdle muscular dystrophy, type 2J; MUSCULAR DYSTROPHY, LIMB-GIRDLE, AUTOSOMAL RECESSIVE 10. Identifiers: Orphanet 140922, MedGen C1837342, MONDO:0012127, OMIM 608807.

Submission:

Labcorp Genetics (formerly Invitae), Labcorp
Classification: Likely pathogenic for Dilated cardiomyopathy 1G; Autosomal recessive limb-girdle muscular dystrophy type 2J. Last evaluated: 2024-10-03. Review status: criteria provided, single submitter. Criteria: Invitae Variant Classification Sherloc (09022015). Collection method: clinical testing. Allele origin: germline.
Comment: This sequence change creates a premature translational stop signal (p.Leu5503*) in the TTN gene. While this is not anticipated to result in nonsense mediated decay, it is expected to create a truncated TTN protein. This variant is not present in population databases (gnomAD no frequency). This variant has not been reported in the literature in individuals affected with TTN-related conditions. Algorithms developed to predict the effect of sequence changes on RNA splicing suggest that this variant may disrupt the consensus splice site. This variant is located in the I band of TTN (PMID: 25589632). Truncating variants in this region have been reported in individuals affected with autosomal recessive centronuclear myopathy (PMID: 23975875, internal data). Truncating variants in this region have also been identified in individuals affected with autosomal dominant dilated cardiomyopathy and/or cardio-related conditions (PMID: 27869827, 32964742, internal data). In summary, the currently available evidence indicates that the variant is pathogenic, but additional data are needed to prove that conclusively. Therefore, this variant has been classified as Likely Pathogenic.

Literature cited by the submitters: PubMed 25589632; PubMed 23975875; PubMed 27869827; PubMed 32964742.